The following is an entry in ClinVar:

NM_003334.4(UBA1):c.2328C>T (p.Tyr776=)

Gene: UBA1 (ubiquitin like modifier activating enzyme 1; plus strand). Cytogenetic location: Xp11.3.
Variant type: single nucleotide variant.
Coding change: c.2328C>T on transcript NM_003334.4 (MANE Select); coding-DNA position 2328, C replaced by T.
Protein change: p.Tyr776=; no amino-acid change (tyrosine 776 retained).
Molecular consequence: synonymous variant.
Genome position (GRCh38, 1-based): chrX:47,211,089, C>T. VCF-style: chrX-47211089-C-T. GRCh37 (hg19) VCF-style: chrX-47070488-C-T.
Other names: c.2328C>T, p.Tyr776= (NM_153280.3).
Identifiers: ClinVar variation 680282 (VCV000680282.14), dbSNP rs145177450, ClinGen allele CA10396106.

ClinVar aggregate classification (germline): Benign/Likely benign. Review status: criteria provided, multiple submitters, no conflicts (2 of 4 stars). 3 submissions from 3 submitters: Benign (2); Likely benign (1). Last evaluated 2026-01-05.

Conditions:
Infantile-onset X-linked spinal muscular atrophy. Also called: AMC, DISTAL, X-LINKED; ARTHROGRYPOSIS, X-LINKED, TYPE I; Spinal Muscular Atrophy, X-Linked Infantile; Spinal muscular atrophy, X-linked 2; SPINAL MUSCULAR ATROPHY, X-LINKED LETHAL INFANTILE. Identifiers: Orphanet 1145, MedGen C1844934, MONDO:0010532, OMIM 301830.

Allele frequency attached by ClinVar (database versions not stated): gnomAD exomes 0.00033 and 0.00083; ExAC 0.00098; 1000 Genomes Project 30x 0.00187; 1000 Genomes Project 0.00212; gnomAD 0.00332 and 0.00356; ESP Exome Variant Server 0.00350; TOPMed 0.00351.
gnomAD v4.1: 754 of 1,209,986 alleles (0.062%); highest among the groups gnomAD compares: African/African-American, 1.2%; 4 homozygotes.

Submissions (3):

Labcorp Genetics (formerly Invitae), Labcorp
Classification: Benign for Infantile-onset X-linked spinal muscular atrophy. Last evaluated: 2026-01-05. Review status: criteria provided, single submitter. Criteria: Invitae Variant Classification Sherloc (09022015). Collection method: clinical testing. Allele origin: germline.

Blueprint Genetics
Classification: Likely benign. Last evaluated: 2024-07-05. Review status: criteria provided, single submitter. Criteria: ACMG Guidelines, 2015. Collection method: clinical testing. Allele origin: germline.

GeneDx
Classification: Benign. Last evaluated: 2018-06-05. Review status: criteria provided, single submitter. Criteria: GeneDx Variant Classification (06012015). Collection method: clinical testing. Allele origin: germline. Affected: yes.
Comment: This variant is considered likely benign or benign based on one or more of the following criteria: it is a conservative change, it occurs at a poorly conserved position in the protein, it is predicted to be benign by multiple in silico algorithms, and/or has population frequency not consistent with disease.